The following is an entry in ClinVar:

ClinVar aggregate classification (germline): Uncertain significance (1 of 4 stars; one submission).

Submission:

GeneDx
Classification: Uncertain significance. Last evaluated: 2024-04-25. Review status: criteria provided, single submitter. Criteria: GeneDx Variant Classification Process June 2021. Collection method: clinical testing. Allele origin: germline. Affected: yes.
Comment: Not observed at significant frequency in large population cohorts (gnomAD); In silico analysis indicates that this missense variant does not alter protein structure/function; Has not been previously published as pathogenic or benign to our knowledge

NM_020719.3(PRR12):c.1418C>T (p.Pro473Leu)

Gene: PRR12 (proline rich 12; plus strand). Cytogenetic location: 19q13.33.
Variant type: single nucleotide variant.
Coding change: c.1418C>T on transcript NM_020719.3 (MANE Select); coding-DNA position 1418, C replaced by T.
Protein change: p.Pro473Leu; replaces proline 473 with leucine.
Molecular consequence: missense variant.
Genome position (GRCh38, 1-based): chr19:49,595,753, C>T. VCF-style: chr19-49595753-C-T. GRCh37 (hg19) VCF-style: chr19-50099010-C-T.
Other names: short protein forms P473L.
Identifiers: ClinVar variation 3372963 (VCV003372963.1).
Genomic context (GRCh38, chr19:49,595,753, plus strand): 5'-GACCCCAGGCCTACGGGCAAGGGTTTGGAGGGGGGCAGGCACAGGACTTGAGCAAAGCCC[C>T]CAGCTACTCAGGGGGCCCCCCACAGCCCCCCAGCGGCCCCCCTCCTCCTGGCCTGGCCAC-3'
Protein context (NP_065770.1, residues 463-483): GGQAQDLSKA[Pro473Leu]SYSGGPPQPP